The following is an entry in ClinVar:

NM_001064.4(TKT):c.1522G>C (p.Ala508Pro)

Genes: TKT (transketolase; minus strand), LOC126806684 (CDK7 strongly-dependent group 2 enhancer GRCh37_chr3:53261945-53263144; plus strand). Cytogenetic location: 3p21.1.
Variant type: single nucleotide variant.
Coding change: c.1522G>C on transcript NM_001064.4 (MANE Select); coding-DNA position 1522, G replaced by C.
Protein change: p.Ala508Pro; replaces alanine 508 with proline.
Molecular consequence: missense variant. On other transcripts: non-coding transcript variant (1).
Genome position (GRCh38, 1-based): chr3:53,228,107, C>G on the plus strand (G>C on the coding strand, the complement: TKT is on the minus strand). VCF-style: chr3-53228107-C-G. GRCh37 (hg19) VCF-style: chr3-53262123-C-G.
Other names: c.1522G>C, p.Ala508Pro (NM_001135055.3); c.1546G>C, p.Ala516Pro (NM_001258028.2); short protein forms A508P, A516P.
Identifiers: ClinVar variation 5019668 (VCV005019668.2).
Genomic context (GRCh38, chr3:53,228,107, plus strand): 5'-TCTCCTCACCTTTCTTCAGCAGTTCGGCAGCGGCCAAGGCCTCGTGCAGGGTCACCCCAG[C>G]CCCGATAACGGTCACCTGGTCATCCTTGCTCTTCAGGACCACCTGGGGGTGACACAGAGG-3'
Protein context (NP_001055.1, residues 498-518): SKDDQVTVIG[Ala508Pro]GVTLHEALAA

ClinVar aggregate classification (germline): Uncertain significance (1 of 4 stars; one submission).

Conditions:
Transketolase deficiency. Also called: Short stature, developmental delay, and congenital heart defects. Identifiers: Orphanet 488618, MedGen C5700245, MONDO:0014881, OMIM 617044.

Submission:

Juno Genomics, Hangzhou Juno Genomics, Inc
Classification: Uncertain significance for Transketolase deficiency. Review status: criteria provided, single submitter. Criteria: ACMG Guidelines, 2015. Collection method: clinical testing. Allele origin: germline.
Comment: Absent from controls (or at extremely low frequency if recessive) in Genome Aggregation Database.;Multiple lines of computational evidence support a deleterious effect on the gene or gene product.